The following is an entry in ClinVar:

ClinVar aggregate classification (germline): Uncertain significance (1 of 4 stars; one submission).

Submission:

Women's Health and Genetics/Laboratory Corporation of America, LabCorp
Classification: Uncertain significance. Last evaluated: 2025-12-31. Review status: criteria provided, single submitter. Criteria: LabCorp Variant Classification Summary - May 2015. Collection method: clinical testing. Allele origin: germline.
Comment: Variant summary: ACADVL c.1678+2dupT alters a nucleotide located close to a canonical splice site and therefore could affect mRNA splicing, leading to a significantly altered protein sequence. Several computational tools predict a significant impact on normal splicing: Four predict the variant abolishes a 5' splicing donor site. However, these predictions have yet to be confirmed by functional studies. The variant allele was found at a frequency of 4e-06 in 248264 control chromosomes. The available data on variant occurrences in the general population are insufficient to allow any conclusion about variant significance. To our knowledge, no occurrence of c.1678+2dupT in individuals affected with ACADVL-related conditions and no experimental evidence demonstrating its impact on protein function have been reported. No submitters have cited clinical-significance assessments for this variant to ClinVar. Based on the evidence outlined above, the variant was classified as uncertain significance.

NM_000018.4(ACADVL):c.1678+2dup

Gene: ACADVL (acyl-CoA dehydrogenase very long chain; plus strand). Cytogenetic location: 17p13.1.
Variant type: Duplication.
Coding change: c.1678+2dup on transcript NM_000018.4 (MANE Select); the canonical splice donor site of the intron after coding-DNA position 1678, one base duplicated (T; older notation c.1678+2dupT).
Molecular consequence: splice donor variant.
Genome position (GRCh38, 1-based): chr17:7,224,554, T duplicated. VCF-style (leftmost placement, unchanged base first): chr17-7224553-G-GT. GRCh37 (hg19) VCF-style: chr17-7127872-G-GT.
Other names: c.1747+2dup (NM_001270447.2); c.1450+2dup (NM_001270448.2); c.1612+2dup (NM_001033859.3); c.1678+2dupT (NM_000018.4).
Identifiers: ClinVar variation 4688737 (VCV004688737.1).